The following is an entry in ClinVar:

ClinVar aggregate classification (germline): Likely pathogenic (1 of 4 stars; one submission).

Conditions:
Familial cancer of breast. Also called: Hereditary breast cancer; BREAST CANCER, FAMILIAL; hereditary breast carcinoma. Identifiers: Orphanet 227535, MedGen C0346153, MONDO:0016419, OMIM 114480. Disease mechanism: loss of function.

Submission:

Myriad Genetics, Inc.
Classification: Likely pathogenic for Familial cancer of breast. Last evaluated: 2023-06-27. Review status: criteria provided, single submitter. Criteria: Myriad Autosomal Dominant, Autosomal Recessive and X-Linked Classification Criteria (2023). Collection method: clinical testing. Allele origin: unknown.
Comment: This variant is considered likely pathogenic. This variant occurs within a consensus splice junction and is predicted to result in abnormal mRNA splicing of either an out-of-frame exon or an in-frame exon necessary for protein stability and/or normal function.

NM_007194.4(CHEK2):c.1096-3_1096-1delinsAA

Gene: CHEK2 (checkpoint kinase 2; minus strand). Cytogenetic location: 22q12.1.
Variant type: Indel.
Coding change: c.1096-3_1096-1delinsAA on transcript NM_007194.4 (MANE Select); 3 bases into the intron before coding-DNA position 1096 through the canonical splice acceptor site of the intron before coding-DNA position 1096, TAG replaced by AA.
Molecular consequence: splice acceptor variant.
Genome position (GRCh38, 1-based): chr22:28,695,874-28,695,876, CTA replaced by TT on the plus strand (TAG replaced by AA on the coding strand, the reverse complement: CHEK2 is on the minus strand). VCF-style: chr22-28695874-CTA-TT. GRCh37 (hg19) VCF-style: chr22-29091862-CTA-TT.
Other names: c.433-3_433-1delinsAA (NM_001437942.1, NM_001257387.3); c.895-3_895-1delinsAA (NM_001349956.3); c.1009-3_1009-1delinsAA (NM_145862.3); c.1102-3_1102-1delinsAA (NM_001438295.1); c.1189-3_1189-1delinsAA (NM_001438293.1); c.1138-3_1138-1delinsAA (NM_001438294.1); c.1225-3_1225-1delinsAA (NM_001005735.3).
Identifiers: ClinVar variation 2583312 (VCV002583312.2), dbSNP rs2517810925, ClinGen allele CA2582342802.